The following is an entry in ClinVar:

NM_020191.4(MRPS22):c.741C>G (p.His247Gln)

Gene: MRPS22 (mitochondrial ribosomal protein S22; plus strand). Cytogenetic location: 3q23.
Variant type: single nucleotide variant.
Coding change: c.741C>G on transcript NM_020191.4 (MANE Select); coding-DNA position 741, C replaced by G.
Protein change: p.His247Gln; replaces histidine 247 with glutamine.
Molecular consequence: missense variant.
Genome position (GRCh38, 1-based): chr3:139,352,655, C>G. VCF-style: chr3-139352655-C-G. GRCh37 (hg19) VCF-style: chr3-139071497-C-G.
Other names: c.618C>G, p.His206Gln (NM_001363857.1); c.738C>G, p.His246Gln (NM_001363893.1); short protein forms H247Q, H246Q, H206Q.
Identifiers: ClinVar variation 214680 (VCV000214680.47), dbSNP rs140631494, ClinGen allele CA320380.

ClinVar aggregate classification (germline): Benign/Likely benign. Review status: criteria provided, multiple submitters, no conflicts (2 of 4 stars). 6 submissions from 6 submitters: Benign (2); Likely benign (3). 1 of the submissions does not count toward it. Last evaluated 2026-01-26.

Conditions:
MRPS22-related disorder. Also called: MRPS22-related condition.
Hypotonia with lactic acidemia and hyperammonemia. Identifiers: Orphanet 137908, MedGen C2673642, MONDO:0012718, OMIM 611719.

Allele frequency attached by ClinVar (database versions not stated): ESP Exome Variant Server 0.00185; TOPMed 0.00194; 1000 Genomes Project 30x 0.00203; 1000 Genomes Project 0.00220; gnomAD exomes 0.00322 and 0.00397; gnomAD 0.00332 and 0.00357; ExAC 0.00465.
gnomAD v4.1: 5,152 of 1,612,886 alleles (0.32%); highest among the groups gnomAD compares: Non-Finnish European, 0.33%; 17 homozygotes.

Submissions (6):

Labcorp Genetics (formerly Invitae), Labcorp
Classification: Benign. Last evaluated: 2026-01-26. Review status: criteria provided, single submitter. Criteria: Invitae Variant Classification Sherloc (09022015). Collection method: clinical testing. Allele origin: germline.

Mayo Clinic Laboratories, Mayo Clinic
Classification: Benign. Last evaluated: 2025-08-22. Review status: criteria provided, single submitter. Criteria: ACMG Guidelines, 2015. Collection method: clinical testing. Allele origin: germline. Observed: 5 variant alleles.
Comment: BA1, BP4

CeGaT Center for Human Genetics Tuebingen
Classification: Likely benign. Last evaluated: 2023-08-01. Review status: criteria provided, single submitter. Criteria: CeGaT Center For Human Genetics Tuebingen Variant Classification Criteria Version 2. Collection method: clinical testing. Allele origin: germline. Affected: yes. Observed: 2 variant alleles.
Comment: MRPS22: BS2

Illumina Laboratory Services, Illumina
Classification: Likely benign for Hypotonia with lactic acidemia and hyperammonemia. Last evaluated: 2018-01-13. Review status: criteria provided, single submitter. Criteria: ICSL Variant Classification Criteria 13 December 2019. Collection method: clinical testing. Allele origin: germline.
Comment: This variant was observed in the ICSL laboratory as part of a predisposition screen in an ostensibly healthy population. It had not been previously curated by ICSL or reported in the Human Gene Mutation Database (HGMD: prior to June 1st, 2018), and was therefore a candidate for classification through an automated scoring system. Utilizing variant allele frequency, disease prevalence and penetrance estimates, and inheritance mode, an automated score was calculated to assess if this variant is too frequent to cause the disease. Based on the score and internal cut-off values, a variant classified as likely benign is not then subjected to further curation. The score for this variant resulted in a classification of likely benign for this disease.

ARUP Laboratories, Molecular Genetics and Genomics, ARUP Laboratories
Classification: Likely benign. Last evaluated: 2017-09-15. Review status: criteria provided, single submitter. Criteria: ARUP Molecular Germline Variant Investigation Process. Collection method: clinical testing. Allele origin: germline.
Comment: The p.His247Gln variant (rs140631494) has not been previously associated with any mitochondrial disorder and is listed in the Genome Aggregation Database (gnomAD) browser with a frequency in European populations of 0.7% (identified in 1074 out of 152,296 chromosomes, including 5 homozygotes). Additionally, this variant affects a moderately conserved amino acid (Alamut software v 2.9), and is not predicted to alter MRPS22 structure function (SIFT: tolerated, PolyPhen2: benign, MutationTaster: polymorphism). Therefore, the p.His247Gln variant is likely to be benign.

PreventionGenetics, part of Exact Sciences
Classification: Benign for MRPS22-related condition. Last evaluated: 2019-04-09. Review status: no assertion criteria provided. Collection method: clinical testing. Allele origin: germline. Not counted in ClinVar's aggregate classification.
Comment: This variant is classified as benign based on ACMG/AMP sequence variant interpretation guidelines (Richards et al. 2015 PMID: 25741868, with internal and published modifications).